The following is an entry in ClinVar:

ClinVar aggregate classification (germline): Likely pathogenic (1 of 4 stars; one submission).

Conditions:
Ehlers-Danlos syndrome, classic type, 1 (EDSCL1). Also called: EHLERS-DANLOS SYNDROME, GRAVIS TYPE; EHLERS-DANLOS SYNDROME, SEVERE CLASSIC TYPE; Ehlers-Danlos syndrome, type 1; Ehlers-Danlos Syndrome, Classic Type, COL5A1-Related; EDS I. Identifiers: MedGen C0268335, MONDO:0019567, OMIM 130000.

Submission:

Labcorp Genetics (formerly Invitae), Labcorp
Classification: Likely pathogenic for Ehlers-Danlos syndrome, classic type, 1. Last evaluated: 2023-11-17. Review status: criteria provided, single submitter. Criteria: Invitae Variant Classification Sherloc (09022015). Collection method: clinical testing. Allele origin: germline.
Comment: This sequence change affects a donor splice site in intron 10 of the COL5A1 gene. It is expected to disrupt RNA splicing. Variants that disrupt the donor or acceptor splice site typically lead to a loss of protein function (PMID: 16199547), and loss-of-function variants in COL5A1 are known to be pathogenic (PMID: 23587214). This variant is not present in population databases (gnomAD no frequency). Disruption of this splice site has been observed in individual(s) with clinical features of Ehlers-Danlos syndrome (Invitae). Algorithms developed to predict the effect of sequence changes on RNA splicing suggest that this variant may disrupt the consensus splice site. In summary, the currently available evidence indicates that the variant is pathogenic, but additional data are needed to prove that conclusively. Therefore, this variant has been classified as Likely Pathogenic.

Literature cited by the submitters: PubMed 16199547; PubMed 23587214.

NM_000093.5(COL5A1):c.1431+1G>A

Gene: COL5A1 (collagen type V alpha 1 chain; plus strand). Cytogenetic location: 9q34.3.
Variant type: single nucleotide variant.
Coding change: c.1431+1G>A on transcript NM_000093.5 (MANE Select); the canonical splice donor site of the intron after coding-DNA position 1431, G replaced by A.
Molecular consequence: splice donor variant.
Genome position (GRCh38, 1-based): chr9:134,738,516, G>A. VCF-style: chr9-134738516-G-A. GRCh37 (hg19) VCF-style: chr9-137630362-G-A.
Other names: c.1431+1G>A (NM_001278074.1).
Identifiers: ClinVar variation 2696729 (VCV002696729.3), dbSNP rs2490535036, ClinGen allele CA375441253.